The following is an entry in ClinVar:

ClinVar aggregate classification (germline): Uncertain significance (1 of 4 stars; one submission).

Conditions:
EP300-related disorder. Also called: EP300-related condition; EP300-related disorders.

gnomAD v4.1: 62 of 1,614,182 alleles (0.0038%); highest among the groups gnomAD compares: Non-Finnish European, 0.0053%; no homozygotes.

Submission:

PreventionGenetics, part of Exact Sciences
Classification: Uncertain significance for EP300-related condition. Last evaluated: 2025-09-11. Review status: criteria provided, single submitter. Criteria: ACMG Guidelines, 2015. Collection method: clinical testing. Allele origin: germline.
Comment: The EP300 c.1633A>G variant is predicted to result in the amino acid substitution p.Ser545Gly. To our knowledge, this variant has not been reported in the literature. This variant is reported in 0.0026% of alleles in individuals of European (Non-Finnish) descent in gnomAD. At this time, the clinical significance of this variant is uncertain due to the absence of conclusive functional and genetic evidence.

NM_001429.4(EP300):c.1633A>G (p.Ser545Gly)

Gene: EP300 (EP300 lysine acetyltransferase; plus strand). Cytogenetic location: 22q13.2.
Variant type: single nucleotide variant.
Coding change: c.1633A>G on transcript NM_001429.4 (MANE Select); coding-DNA position 1633, A replaced by G.
Protein change: p.Ser545Gly; replaces serine 545 with glycine.
Molecular consequence: missense variant.
Genome position (GRCh38, 1-based): chr22:41,137,663, A>G. VCF-style: chr22-41137663-A-G. GRCh37 (hg19) VCF-style: chr22-41533667-A-G.
Other names: c.1633A>G, p.Ser545Gly (NM_001362843.2); short protein forms S545G.
Identifiers: ClinVar variation 3355839 (VCV003355839.2).
Genomic context (GRCh38, chr22:41,137,663, plus strand): 5'-TCTTCTCCTACCTTTCTTCACTAAAACTATTTGGTGACCCCTTTTTGAAGCCCAATGATG[A>G]GTGAAAATGCCAGTGTGCCCTCCCTGGGTCCTATGCCAACAGCAGCTCAACCATCCACTA-3'
Protein context (NP_001420.2, residues 535-555): SAINSQNPMM[Ser545Gly]ENASVPSLGP